The following is an entry in ClinVar:

NM_014249.4(NR2E3):c.1127C>A (p.Pro376Gln)

Gene: NR2E3 (nuclear receptor subfamily 2 group E member 3; plus strand). Cytogenetic location: 15q23.
Variant type: single nucleotide variant.
Coding change: c.1127C>A on transcript NM_014249.4 (MANE Select); coding-DNA position 1127, C replaced by A.
Protein change: p.Pro376Gln; replaces proline 376 with glutamine.
Molecular consequence: missense variant.
Genome position (GRCh38, 1-based): chr15:71,817,578, C>A. VCF-style: chr15-71817578-C-A. GRCh37 (hg19) VCF-style: chr15-72109919-C-A.
Other names: c.1127C>A (NM_014249.3, NM_014249.2); short protein forms P376Q.
Identifiers: ClinVar variation 807279 (VCV000807279.49), dbSNP rs527428190, ClinGen allele CA7640526.

ClinVar aggregate classification (germline): Uncertain significance. Review status: criteria provided, multiple submitters, no conflicts (2 of 4 stars). 7 submissions from 7 submitters: Uncertain significance (5). 2 of the submissions do not count toward it. Last evaluated 2025-12-22.

Conditions:
Goldmann-Favre syndrome. Identifiers: Orphanet 53540, MedGen C0339541, MONDO:0100289.
NR2E3-related disorder. Also called: NR2E3-related condition; NR2E3-related disorders. Identifiers: MedGen CN239387.
Retinal dystrophy. Also called: Inherited retinal dystrophy. Identifiers: Orphanet 71862, MedGen C0854723, MeSH D058499, MONDO:0019118, HP:0000556.
Enhanced S-cone syndrome (ESCS). Identifiers: Orphanet 53540, MedGen C1849394, MONDO:0100288, MONDO:0009989.
Retinitis pigmentosa 37 (RP37). Identifiers: Orphanet 791, MedGen C1970163, MONDO:0012625, OMIM 611131.

Allele frequency attached by ClinVar (database versions not stated): 1000 Genomes Project 0.00020; TOPMed 0.00003; 1000 Genomes Project 30x 0.00016.
gnomAD v4.1: 51 of 1,599,380 alleles (0.0032%); highest among the groups gnomAD compares: South Asian, 0.019%; no homozygotes.

Submissions (7):

PreventionGenetics, part of Exact Sciences
Classification: Uncertain significance for NR2E3-related condition. Last evaluated: 2025-12-22. Review status: criteria provided, single submitter. Criteria: ACMG Guidelines, 2015. Collection method: clinical testing. Allele origin: germline.
Comment: The NR2E3 c.1127C>A variant is predicted to result in the amino acid substitution p.Pro376Gln. To our knowledge, this variant has not been reported in the literature. This variant is reported in 0.033% of alleles in individuals of South Asian descent in gnomAD. At this time, the clinical significance of this variant is uncertain due to the absence of conclusive functional and genetic evidence.

Labcorp Genetics (formerly Invitae), Labcorp
Classification: Uncertain significance. Last evaluated: 2025-08-21. Review status: criteria provided, single submitter. Criteria: Invitae Variant Classification Sherloc (09022015). Collection method: clinical testing. Allele origin: germline.
Comment: This sequence change replaces proline, which is neutral and non-polar, with glutamine, which is neutral and polar, at codon 376 of the NR2E3 protein (p.Pro376Gln). The frequency data for this variant in the population databases is considered unreliable, as metrics indicate poor data quality at this position in the gnomAD database. This variant has not been reported in the literature in individuals affected with NR2E3-related conditions. ClinVar contains an entry for this variant (Variation ID: 807279). Invitae Evidence Modeling of protein sequence and biophysical properties (such as structural, functional, and spatial information, amino acid conservation, physicochemical variation, residue mobility, and thermodynamic stability) indicates that this missense variant is not expected to disrupt NR2E3 protein function with a negative predictive value of 80%. In summary, the available evidence is currently insufficient to determine the role of this variant in disease. Therefore, it has been classified as a Variant of Uncertain Significance.

Blueprint Genetics
Classification: Uncertain significance. Last evaluated: 2024-05-30. Review status: criteria provided, single submitter. Criteria: ACMG Guidelines, 2015. Collection method: clinical testing. Allele origin: germline.

Fulgent Genetics
Classification: Uncertain significance for ENHANCED S-CONE SYNDROME 1; Retinitis pigmentosa 37. Last evaluated: 2021-09-23. Review status: criteria provided, single submitter. Criteria: ACMG Guidelines, 2015. Collection method: clinical testing. Allele origin: unknown.

CeGaT Center for Human Genetics Tuebingen
Classification: Uncertain significance. Last evaluated: 2018-12-01. Review status: criteria provided, single submitter. Criteria: CeGaT Center For Human Genetics Tuebingen Variant Classification Criteria Version 2. Collection method: clinical testing. Allele origin: germline. Affected: yes. Observed: 1 variant allele.

Natera, Inc.
Classification: Uncertain significance for Goldmann-Favre syndrome. Last evaluated: 2020-08-27. Review status: no assertion criteria provided. Collection method: clinical testing. Allele origin: germline. Not counted in ClinVar's aggregate classification.

Institute of Human Genetics, Univ. Regensburg, Univ. Regensburg
Classification: Uncertain significance for Retinal dystrophy. Last evaluated: 2019-01-01. Review status: no assertion criteria provided. Criteria: ACMG Guidelines, 2015. Collection method: clinical testing. Allele origin: germline. Affected: yes. Not counted in ClinVar's aggregate classification.